The following is an entry in ClinVar:

NM_006876.3(B4GAT1):c.1200C>G (p.Phe400Leu)

Gene: B4GAT1 (beta-1,4-glucuronyltransferase 1; minus strand). Cytogenetic location: 11q13.2.
Variant type: single nucleotide variant.
Coding change: c.1200C>G on transcript NM_006876.3 (MANE Select); coding-DNA position 1200, C replaced by G.
Protein change: p.Phe400Leu; replaces phenylalanine 400 with leucine.
Molecular consequence: missense variant.
Genome position (GRCh38, 1-based): chr11:66,346,097, G>C on the plus strand (C>G on the coding strand, the complement: B4GAT1 is on the minus strand). VCF-style: chr11-66346097-G-C. GRCh37 (hg19) VCF-style: chr11-66113568-G-C.
Other names: short protein forms F400L.
Identifiers: ClinVar variation 1972892 (VCV001972892.5), dbSNP rs2495381893, ClinGen allele CA381416720.

ClinVar aggregate classification (germline): Uncertain significance (1 of 4 stars; one submission).

Conditions:
Muscular dystrophy-dystroglycanopathy (congenital with brain and eye anomalies), type A13. Also called: WALKER-WARBURG SYNDROME OR MUSCLE-EYE-BRAIN DISEASE, B3GNT1-RELATED; Muscular dystrophy-dystroglycanopathy (congenital with brain and eye anomalies), type a, 13. Identifiers: Orphanet 899, MedGen C3809042, MONDO:0014120, OMIM 615287.

Submission:

Labcorp Genetics (formerly Invitae), Labcorp
Classification: Uncertain significance for Muscular dystrophy-dystroglycanopathy (congenital with brain and eye anomalies), type A13. Last evaluated: 2022-05-07. Review status: criteria provided, single submitter. Criteria: Invitae Variant Classification Sherloc (09022015). Collection method: clinical testing. Allele origin: germline.
Comment: This sequence change replaces phenylalanine, which is neutral and non-polar, with leucine, which is neutral and non-polar, at codon 400 of the B4GAT1 protein (p.Phe400Leu). This variant is not present in population databases (gnomAD no frequency). This variant has not been reported in the literature in individuals affected with B4GAT1-related conditions. Algorithms developed to predict the effect of missense changes on protein structure and function are either unavailable or do not agree on the potential impact of this missense change (SIFT: "Tolerated"; PolyPhen-2: "Probably Damaging"; Align-GVGD: "Class C0"). In summary, the available evidence is currently insufficient to determine the role of this variant in disease. Therefore, it has been classified as a Variant of Uncertain Significance.